The following is an entry in ClinVar:

NM_001267550.2(TTN):c.87280G>A (p.Glu29094Lys)

Genes: TTN-AS1 (TTN antisense RNA 1; plus strand), TTN (titin; minus strand). Cytogenetic location: 2q31.2.
Variant type: single nucleotide variant.
Coding change: c.87280G>A on transcript NM_001267550.2 (MANE Select); coding-DNA position 87280, G replaced by A.
Protein change: p.Glu29094Lys; replaces glutamic acid 29094 with lysine.
Molecular consequence: missense variant.
Genome position (GRCh38, 1-based): chr2:178,558,074, C>T on the plus strand (G>A on the coding strand, the complement: TTN is on the minus strand). VCF-style: chr2-178558074-C-T. GRCh37 (hg19) VCF-style: chr2-179422801-C-T.
Other names: p.E27453K:GAA>AAA; c.82357G>A, p.Glu27453Lys (NM_001256850.1); c.60085G>A, p.Glu20029Lys (NM_003319.4); c.79576G>A, p.Glu26526Lys (NM_133378.4); c.60460G>A, p.Glu20154Lys (NM_133432.3); c.60661G>A, p.Glu20221Lys (NM_133437.4); c.87280G>A (NM_001267550.1); short protein forms E27453K, E29094K, E26526K, E20221K, E20029K, E20154K.
Identifiers: ClinVar variation 202939 (VCV000202939.43), dbSNP rs199501185, ClinGen allele CA310747.
Genomic context (GRCh38, chr2:178,558,074, plus strand): 5'-TCCCAGCGTCAGCTGTAACACTTTCTTTGAGATTGATGGTCAGGTTCTCAGCAGTAATTT[C>T]GGTATTAAATCTCATGGTTGCCTTAAGGGGGACACCATCTCTTGATAAGGTCACTTTGGG-3'
Protein context (NP_001254479.2, residues 29084-29104): PLKATMRFNT[Glu29094Lys]ITAENLTINL

ClinVar aggregate classification (germline): Conflicting classifications of pathogenicity. Review status: criteria provided, conflicting classifications (1 of 4 stars). 13 submissions from 9 submitters: Uncertain significance (10); Benign (2); Likely benign (1). Last evaluated 2026-05-25.

Conditions:
TTN-related disorder. Also called: TTN-related condition; TTN-related disease; TTN-related disorders.
Cardiovascular phenotype. Identifiers: MedGen CN230736.
Autosomal recessive limb-girdle muscular dystrophy type 2J (LGMDR10). Also called: Limb-girdle muscular dystrophy, type 2J; MUSCULAR DYSTROPHY, LIMB-GIRDLE, AUTOSOMAL RECESSIVE 10. Identifiers: Orphanet 140922, MedGen C1837342, MONDO:0012127, OMIM 608807.
Dilated cardiomyopathy 1G (CMD1G). Identifiers: Orphanet 154, MedGen C1858763, MONDO:0011400, OMIM 604145.
Myopathy, myofibrillar, 9, with early respiratory failure (MFM9). Also called: EDSTROM MYOPATHY; MYOPATHY, PROXIMAL, WITH EARLY RESPIRATORY MUSCLE INVOLVEMENT; Myopathy, distal, with early respiratory failure, autosomal dominant; Hereditary myopathy with early respiratory failure. Identifiers: Orphanet 178464, Orphanet 34521, MedGen C1863599, MONDO:0011362, OMIM 603689.
Early-onset myopathy with fatal cardiomyopathy (CMYO5). Also called: Salih Myopathy; CONGENITAL MYOPATHY 5 WITH CARDIOMYOPATHY. Identifiers: Orphanet 289377, MedGen C2673677, MONDO:0012714, OMIM 611705. Disease mechanism: loss of function.
Tibial muscular dystrophy (TMD). Also called: Tibial muscular dystrophy, tardive; UDD MYOPATHY; Udd Distal Myopathy – Tibial Muscular Dystrophy. Identifiers: Orphanet 609, MedGen C1838244, MONDO:0010870, OMIM 600334.

Allele frequency attached by ClinVar (database versions not stated): gnomAD 0.00009; gnomAD exomes 0.00011 and 0.00015; TOPMed 0.00012; ExAC 0.00013; ESP Exome Variant Server 0.00025.
gnomAD v4.1: 231 of 1,613,736 alleles (0.014%); highest among the groups gnomAD compares: Non-Finnish European, 0.018%; no homozygotes.

Submissions (13):

PreventionGenetics, part of Exact Sciences
Classification: Uncertain significance for TTN-related condition. Last evaluated: 2026-05-25. Review status: criteria provided, single submitter. Criteria: ACMG Guidelines, 2015. Collection method: clinical testing. Allele origin: germline.
Comment: The TTN c.87280G>A variant is predicted to result in the amino acid substitution p.Glu29094Lys. To our knowledge, this variant has not been reported in the literature. This variant is reported in 0.020% of alleles in individuals of European (Non-Finnish) descent in gnomAD. Although we suspect that this variant may be benign, at this time, the clinical significance of this variant is uncertain due to the absence of conclusive functional and genetic evidence.

CeGaT Center for Human Genetics Tuebingen
Classification: Uncertain significance. Last evaluated: 2023-08-01. Review status: criteria provided, single submitter. Criteria: CeGaT Center For Human Genetics Tuebingen Variant Classification Criteria Version 2. Collection method: clinical testing. Allele origin: germline. Affected: yes. Observed: 1 variant allele.

Athena Diagnostics
Classification: Uncertain significance. Last evaluated: 2023-04-19. Review status: criteria provided, single submitter. Criteria: Athena Diagnostics Criteria. Collection method: clinical testing. Allele origin: unknown.
Comment: Available data are insufficient to determine the clinical significance of the variant at this time. The frequency of this variant in the general population is higher than would generally be expected for pathogenic variants in this gene. Computational tools disagree on the variant's effect on normal protein function.

Revvity Omics, Revvity
Classification: Uncertain significance. Last evaluated: 2022-07-01. Review status: criteria provided, single submitter. Criteria: ACMG Guidelines, 2015. Collection method: clinical testing. Allele origin: germline.

GeneDx
Classification: Likely benign. Last evaluated: 2019-09-09. Review status: criteria provided, single submitter. Criteria: GeneDx Variant Classification Process June 2021. Collection method: clinical testing. Allele origin: germline. Affected: yes.

Ambry Genetics
Classification: Uncertain significance for Cardiovascular phenotype. Last evaluated: 2018-11-01. Review status: criteria provided, single submitter. Criteria: Ambry Variant Classification Scheme 2023. Collection method: clinical testing. Allele origin: germline.
Comment: The p.E20029K variant (also known as c.60085G>A), located in coding exon 155 of the TTN gene, results from a G to A substitution at nucleotide position 60085. The glutamic acid at codon 20029 is replaced by lysine, an amino acid with similar properties. This amino acid position is well conserved in available vertebrate species. In addition, this alteration is predicted to be tolerated by in silico analysis. Since supporting evidence is limited at this time, the clinical significance of this alteration remains unclear.

Eurofins Ntd Llc (ga)
Classification: Uncertain significance. Last evaluated: 2018-06-05. Review status: criteria provided, single submitter. Criteria: EGL ClinVar v180209 classification definitions. Collection method: clinical testing. Allele origin: germline. Observed: 3 variant alleles, 3 heterozygotes.

Illumina Laboratory Services, Illumina
Classification: Uncertain significance for Autosomal recessive limb-girdle muscular dystrophy type 2J. Last evaluated: 2018-01-13. Review status: criteria provided, single submitter. Criteria: ICSL Variant Classification Criteria 13 December 2019. Collection method: clinical testing. Allele origin: germline.

Illumina Laboratory Services, Illumina
Classification: Benign for Tibial muscular dystrophy. Last evaluated: 2018-01-13. Review status: criteria provided, single submitter. Criteria: ICSL Variant Classification Criteria 13 December 2019. Collection method: clinical testing. Allele origin: germline.
Comment: This variant was observed in the ICSL laboratory as part of a predisposition screen in an ostensibly healthy population. It had not been previously curated by ICSL or reported in the Human Gene Mutation Database (HGMD: prior to June 1st, 2018), and was therefore a candidate for classification through an automated scoring system. Utilizing variant allele frequency, disease prevalence and penetrance estimates, and inheritance mode, an automated score was calculated to assess if this variant is too frequent to cause the disease. Based on the score and internal cut-off values, a variant classified as benign is not then subjected to further curation. The score for this variant resulted in a classification of benign for this disease.

Illumina Laboratory Services, Illumina
Classification: Uncertain significance for Early-onset myopathy with fatal cardiomyopathy. Last evaluated: 2018-01-13. Review status: criteria provided, single submitter. Criteria: ICSL Variant Classification Criteria 13 December 2019. Collection method: clinical testing. Allele origin: germline.

Illumina Laboratory Services, Illumina
Classification: Benign for Myopathy, myofibrillar, 9, with early respiratory failure. Last evaluated: 2018-01-13. Review status: criteria provided, single submitter. Criteria: ICSL Variant Classification Criteria 13 December 2019. Collection method: clinical testing. Allele origin: germline.
Comment: the same text as in the submission from Illumina Laboratory Services, Illumina above.

Illumina Laboratory Services, Illumina
Classification: Uncertain significance for Dilated cardiomyopathy 1G. Last evaluated: 2018-01-13. Review status: criteria provided, single submitter. Criteria: ICSL Variant Classification Criteria 13 December 2019. Collection method: clinical testing. Allele origin: germline.

Labcorp Genetics (formerly Invitae), Labcorp
Classification: Uncertain significance for Dilated cardiomyopathy 1G; Autosomal recessive limb-girdle muscular dystrophy type 2J. Last evaluated: 2017-10-24. Review status: criteria provided, single submitter. Criteria: Invitae Variant Classification Sherloc (09022015). Collection method: clinical testing. Allele origin: germline.